The following is an entry in ClinVar:

ClinVar aggregate classification (germline): Uncertain significance. Review status: criteria provided, multiple submitters, no conflicts (2 of 4 stars). 3 submissions from 3 submitters: Uncertain significance (3). Last evaluated 2023-01-15.

Conditions:
Hypogonadotropic hypogonadism 5 with or without anosmia (KAL5). Also called: HYPOGONADOTROPIC HYPOGONADISM 5 WITH ANOSMIA; HYPOGONADOTROPHIC HYPOGONADISM 5 WITHOUT ANOSMIA; CHD7-Related GnRH Deficiency (Kallmann Syndrome 5). Identifiers: Orphanet 478, MedGen C3552553, MONDO:0012880, OMIM 612370. Disease mechanism: loss of function.
CHARGE syndrome (CHARGE). Also called: CHARGE ASSOCIATION--COLOBOMA, HEART ANOMALY, CHOANAL ATRESIA, RETARDATION, GENITAL AND EAR ANOMALIES; Coloboma, heart anomaly, choanal atresia, retardation, genital and ear anomalies; CHARGE association; Hall-Hittner syndrome; Hittner Hirsch Kreh syndrome. Identifiers: Orphanet 138, MedGen C0265354, MONDO:0008965.

Allele frequency attached by ClinVar (database versions not stated): gnomAD exomes below 0.00001 and 0.00001.
gnomAD v4.1: 12 of 1,614,068 alleles (0.00074%); highest among the groups gnomAD compares: Non-Finnish European, 0.00093%; no homozygotes.

Submissions (3):

Labcorp Genetics (formerly Invitae), Labcorp
Classification: Uncertain significance for CHARGE syndrome. Last evaluated: 2023-01-15. Review status: criteria provided, single submitter. Criteria: Invitae Variant Classification Sherloc (09022015). Collection method: clinical testing. Allele origin: germline.
Comment: This variant is present in population databases (no rsID available, gnomAD 0.002%). In summary, the available evidence is currently insufficient to determine the role of this variant in disease. Therefore, it has been classified as a Variant of Uncertain Significance. Algorithms developed to predict the effect of missense changes on protein structure and function (SIFT, PolyPhen-2, Align-GVGD) all suggest that this variant is likely to be tolerated. ClinVar contains an entry for this variant (Variation ID: 909746). This variant has not been reported in the literature in individuals affected with CHD7-related conditions. This sequence change replaces serine, which is neutral and polar, with proline, which is neutral and non-polar, at codon 2490 of the CHD7 protein (p.Ser2490Pro).

GeneDx
Classification: Uncertain significance. Last evaluated: 2020-05-04. Review status: criteria provided, single submitter. Criteria: GeneDx Variant Classification Process June 2021. Collection method: clinical testing. Allele origin: germline. Affected: yes.
Comment: Not observed at a significant frequency in large population cohorts (Lek et al., 2016); In silico analysis supports that this missense variant does not alter protein structure/function; Has not been previously published as pathogenic or benign to our knowledge

Illumina Laboratory Services, Illumina
Classification: Uncertain significance for Kallmann Syndrome 5. Last evaluated: 2018-01-13. Review status: criteria provided, single submitter. Criteria: ICSL Variant Classification Criteria 13 December 2019. Collection method: clinical testing. Allele origin: germline.

NM_017780.4(CHD7):c.7468T>C (p.Ser2490Pro)

Gene: CHD7 (chromodomain helicase DNA binding protein 7; plus strand). Cytogenetic location: 8q12.2.
Variant type: single nucleotide variant.
Coding change: c.7468T>C on transcript NM_017780.4 (MANE Select); coding-DNA position 7468, T replaced by C.
Protein change: p.Ser2490Pro; replaces serine 2490 with proline.
Molecular consequence: missense variant. On other transcripts: intron variant (1).
Genome position (GRCh38, 1-based): chr8:60,856,748, T>C. VCF-style: chr8-60856748-T-C. GRCh37 (hg19) VCF-style: chr8-61769307-T-C.
Other names: c.1717-5481T>C (NM_001316690.1); short protein forms S2490P.
Identifiers: ClinVar variation 909746 (VCV000909746.9), dbSNP rs1319276265, ClinGen allele CA371301880.